The following is an entry in ClinVar:

ClinVar aggregate classification (germline): Uncertain significance (1 of 4 stars; one submission).

Conditions:
Autosomal recessive limb-girdle muscular dystrophy type 2Q (LGMDR17). Also called: MUSCULAR DYSTROPHY, LIMB-GIRDLE, AUTOSOMAL RECESSIVE 17. Identifiers: Orphanet 254361, MedGen C3150989, MONDO:0013390, OMIM 613723.
Epidermolysis bullosa simplex 5B, with muscular dystrophy (EBS5B). Also called: EPIDERMOLYSIS BULLOSA SIMPLEX AND LIMB-GIRDLE MUSCULAR DYSTROPHY; Epidermolysis bullosa simplex with muscular dystrophy. Identifiers: Orphanet 257, MedGen C2931072, MONDO:0009181, OMIM 226670.
Epidermolysis bullosa simplex, Ogna type (EBS5A). Also called: Pidermolysis bullosa simplex 5A, Ogna type; EPIDERMOLYSIS BULLOSA SIMPLEX 5A, OGNA TYPE. Identifiers: Orphanet 79401, MedGen C0432317, MONDO:0007555, OMIM 131950.
Epidermolysis bullosa simplex with nail dystrophy (EBS5D). Identifiers: MedGen C4225309, MONDO:0014661, OMIM 616487.
Epidermolysis bullosa simplex 5C, with pyloric atresia (EBS5C). Also called: Epidermolysis bullosa simplex with pyloric atresia; PLEC1-Related Epidermolysis Bullosa with Pyloric Atresia; PLEC-Related Epidermolysis Bullosa with Pyloric Atresia. Identifiers: Orphanet 158684, MedGen C2677349, MONDO:0012807, OMIM 612138.

Submission:

Labcorp Genetics (formerly Invitae), Labcorp
Classification: Uncertain significance for Autosomal recessive limb-girdle muscular dystrophy type 2Q; Epidermolysis bullosa simplex, Ogna type; Epidermolysis bullosa simplex with nail dystrophy; Epidermolysis bullosa simplex 5C, with pyloric atresia; Epidermolysis bullosa simplex 5B, with muscular dystrophy. Last evaluated: 2021-02-22. Review status: criteria provided, single submitter. Criteria: Invitae Variant Classification Sherloc (09022015). Collection method: clinical testing. Allele origin: germline.
Comment: This variant, c.4307_4309del, results in the deletion of 1 amino acid(s) of the PLEC protein (p.Val1436del), but otherwise preserves the integrity of the reading frame. This variant is not present in population databases (ExAC no frequency). This variant has not been reported in the literature in individuals with PLEC-related conditions. Experimental studies and prediction algorithms are not available or were not evaluated, and the functional significance of this variant is currently unknown. In summary, the available evidence is currently insufficient to determine the role of this variant in disease. Therefore, it has been classified as a Variant of Uncertain Significance.

NM_201384.3(PLEC):c.4226_4228del (p.Val1409del)

Gene: PLEC (plectin; minus strand). Cytogenetic location: 8q24.3.
Variant type: Deletion.
Coding change: c.4226_4228del on transcript NM_201384.3 (MANE Select); coding-DNA positions 4226 to 4228, 3 bases deleted (TGG; older notation c.4226_4228delTGG).
Protein change: p.Val1409del; deletes valine 1409.
Molecular consequence: inframe deletion.
Genome position (GRCh38, 1-based): chr8:143,925,701-143,925,703, CCA deleted on the plus strand (TGG on the coding strand, the reverse complement: PLEC is on the minus strand); deleting any 3 consecutive bases within chr8:143,925,701-143,925,705 gives the same sequence; the c. name uses the placement nearest the transcript's 3' end. VCF-style (leftmost placement, unchanged base first): chr8-143925700-TCCA-T. GRCh37 (hg19) VCF-style: chr8-144999868-TCCA-T.
Other names: c.4307_4309del, p.Val1436del (NM_000445.5); c.4184_4186del, p.Val1395del (NM_201378.4); c.4160_4162del, p.Val1387del (NM_201379.3); c.4637_4639del, p.Val1546del (NM_201380.4); c.4130_4132del, p.Val1377del (NM_201381.3); c.4226_4228del, p.Val1409del (NM_201382.4); c.4238_4240del, p.Val1413del (NM_201383.3); short protein forms V1387del, V1409del, V1546del, V1377del, V1395del, V1413del, V1436del.
Identifiers: ClinVar variation 1477570 (VCV001477570.8), dbSNP rs1453624506, ClinGen allele CA848829495.